The following is an entry in ClinVar:

ClinVar aggregate classification (germline): Pathogenic (1 of 4 stars; one submission).

Conditions:
Hereditary cancer-predisposing syndrome. Also called: Neoplastic Syndromes, Hereditary; Hereditary Cancer Syndrome; Hereditary neoplastic syndrome; Tumor predisposition. Identifiers: Orphanet 140162, MedGen C0027672, MeSH D009386, MONDO:0015356.

Submission:

Ambry Genetics
Classification: Pathogenic for Hereditary cancer-predisposing syndrome. Last evaluated: 2016-03-31. Review status: criteria provided, single submitter. Criteria: Ambry Variant Classification Scheme 2023. Collection method: clinical testing. Allele origin: germline.
Comment: The p.K3307* pathogenic mutation (also known as c.9919A>T), located in coding exon 26 of the BRCA2 gene, results from an A to T substitution at nucleotide position 9919. This changes the amino acid from a lysine to a stop codon within coding exon 26. Since premature stop codons are typically deleterious in nature, this alteration is interpreted as a disease-causing mutation (ACMG Recommendations for Standards for Interpretation and Reporting of Sequence Variations. Revision 2007. Genet Med. 2008;10:294).

NM_000059.4(BRCA2):c.9919A>T (p.Lys3307Ter)

Gene: BRCA2 (BRCA2 DNA repair associated; plus strand). Cytogenetic location: 13q13.1.
Variant type: single nucleotide variant.
Coding change: c.9919A>T on transcript NM_000059.4 (MANE Select); coding-DNA position 9919, A replaced by T.
Protein change: p.Lys3307Ter; replaces lysine 3307 with a stop codon.
Molecular consequence: nonsense.
Genome position (GRCh38, 1-based): chr13:32,398,432, A>T. VCF-style: chr13-32398432-A-T. GRCh37 (hg19) VCF-style: chr13-32972569-A-T.
Other names: short protein forms K3307*.
Identifiers: ClinVar variation 479310 (VCV000479310.5), dbSNP rs1555290003, ClinGen allele CA387767049.
Genomic context (GRCh38, chr13:32,398,432, plus strand): 5'-TGTACATTTGTTTCTCCGGCTGCACAGAAGGCATTTCAGCCACCAAGGAGTTGTGGCACC[A>T]AATACGAAACACCCATAAAGAAAAAAGAACTGAATTCTCCTCAGATGACTCCATTTAAAA-3'